The following is an entry in ClinVar:

ClinVar aggregate classification (germline): Uncertain significance. Review status: criteria provided, multiple submitters, no conflicts (2 of 4 stars). 3 submissions from 3 submitters: Uncertain significance (3). Last evaluated 2025-02-07.

Conditions:
Fanconi anemia (FA). Also called: Fanconi's anemia. Identifiers: Orphanet 84, MedGen C0015625, MeSH D005199, MONDO:0019391.
Inborn genetic diseases. Identifiers: MedGen C0950123, MeSH D030342.
Fanconi anemia complementation group I (FANCI). Also called: FANCI-Related Fanconi Anemia. Identifiers: Orphanet 84, MedGen C1836861, MONDO:0012186, OMIM 609053.

Allele frequency attached by ClinVar (database versions not stated): gnomAD 0.00001; gnomAD exomes 0.00001 and 0.00005; TOPMed 0.00002.
gnomAD v4.1: 7 of 1,551,732 alleles (0.00045%); highest among the groups gnomAD compares: Admixed American, 0.014%; no homozygotes.

Submissions (3):

Ambry Genetics
Classification: Uncertain significance for Inborn genetic diseases. Last evaluated: 2025-02-07. Review status: criteria provided, single submitter. Criteria: Ambry Variant Classification Scheme 2023. Collection method: clinical testing. Allele origin: germline.

Labcorp Genetics (formerly Invitae), Labcorp
Classification: Uncertain significance for Fanconi anemia. Last evaluated: 2022-08-09. Review status: criteria provided, single submitter. Criteria: Invitae Variant Classification Sherloc (09022015). Collection method: clinical testing. Allele origin: germline.
Comment: This sequence change replaces glutamine, which is neutral and polar, with glutamic acid, which is acidic and polar, at codon 872 of the FANCI protein (p.Gln872Glu). This variant is present in population databases (no rsID available, gnomAD 0.03%). This variant has not been reported in the literature in individuals affected with FANCI-related conditions. ClinVar contains an entry for this variant (Variation ID: 576117). Algorithms developed to predict the effect of missense changes on protein structure and function (SIFT, PolyPhen-2, Align-GVGD) all suggest that this variant is likely to be tolerated. In summary, the available evidence is currently insufficient to determine the role of this variant in disease. Therefore, it has been classified as a Variant of Uncertain Significance.

Fulgent Genetics
Classification: Uncertain significance for Fanconi anemia complementation group I. Last evaluated: 2021-12-29. Review status: criteria provided, single submitter. Criteria: ACMG Guidelines, 2015. Collection method: clinical testing. Allele origin: unknown.

NM_001113378.2(FANCI):c.2614C>G (p.Gln872Glu)

Gene: FANCI (FA complementation group I; plus strand). Cytogenetic location: 15q26.1.
Variant type: single nucleotide variant.
Coding change: c.2614C>G on transcript NM_001113378.2 (MANE Select); coding-DNA position 2614, C replaced by G.
Protein change: p.Gln872Glu; replaces glutamine 872 with glutamic acid.
Molecular consequence: missense variant. On other transcripts: intron variant (1).
Genome position (GRCh38, 1-based): chr15:89,295,072, C>G. VCF-style: chr15-89295072-C-G. GRCh37 (hg19) VCF-style: chr15-89838303-C-G.
Other names: c.2335C>G, p.Gln779Glu (NM_001376910.1); c.2614C>G, p.Gln872Glu (NM_001376911.1); c.2456+1075C>G (NM_018193.3); short protein forms Q872E, Q779E.
Identifiers: ClinVar variation 576117 (VCV000576117.9), dbSNP rs1368909419, ClinGen allele CA393751111.
Genomic context (GRCh38, chr15:89,295,072, plus strand): 5'-CAGCTAAAGGAAACAGGGCATGTGAGTGGCCCTGATGGCCAAAACCCAGAAAAGATCTTT[C>G]AGAACCTCTGTGACATAACTCGGTAAGCCACTCCCACCCCTTAGAAACTTATTCCACTTG-3'
Protein context (NP_001106849.1, residues 862-882): PDGQNPEKIF[Gln872Glu]NLCDITRVLL